The following is an entry in ClinVar:

ClinVar aggregate classification (germline): Pathogenic. Review status: criteria provided, multiple submitters, no conflicts (2 of 4 stars). 17 submissions from 17 submitters: Pathogenic (15). 2 of the submissions do not count toward it. Last evaluated 2026-07-23.

Conditions:
GCDH-related disorder. Also called: GCDH-related condition.
Glutaric aciduria, type 1. Also called: GA I; Glutaricaciduria, type I; Glutaric acidemia type I; Glutaric Acidemia Type 1; Glutaricacidemia Type 1; Glutaryl-CoA dehydrogenase deficiency. Identifiers: Orphanet 25, MedGen C0268595, MONDO:0009281, OMIM 231670.

Allele frequency attached by ClinVar (database versions not stated): gnomAD exomes 0.00010 and 0.00012; gnomAD 0.00015 and 0.00027; ExAC 0.00019; TOPMed 0.00033.
gnomAD v4.1: 195 of 1,614,054 alleles (0.012%); highest among the groups gnomAD compares: Non-Finnish European, 0.013%; no homozygotes.

Submissions 1 to 13 of 17:

PreventionGenetics, part of Exact Sciences
Classification: Pathogenic for GCDH-related condition. Last evaluated: 2026-07-23. Review status: criteria provided, single submitter. Criteria: ACMG Guidelines, 2015. Collection method: clinical testing. Allele origin: germline.
Comment: The GCDH c.1262C>T variant is predicted to result in the amino acid substitution p.Ala421Val. This variant is well described as a cause of glutaric acidemia type 1 (Larson and Coughlin. 1993. [updated 2026] PubMed ID: 31536184). It is particularly prevalent in the Amish population (Biery et al. 1996. PubMed ID: 8900227; Strauss et al. 2007. PubMed ID: 17478444) although it has also been described in patients from other populations (Zschocke et al. 2000. PubMed ID: 10699052; Viau et al. 2012. PubMed ID: 22728054; Boy et al. 2017. PubMed ID: 28438223; Gürbüz et al. 2020. PubMed ID: 32777384; Kurkina et al. 2020. PubMed ID: 32240488). In an E. coli expression study, the p.Ala421Val substitution was reported to reduce enzyme activity to ~20-40% of control, depending upon the assay methodology (Biery et al. 1996. PubMed ID: 8900227). This variant is reported in 0.029% of alleles in individuals of European (Non-Finnish) descent in gnomAD. Taken together, this variant is interpreted as pathogenic.

Natera, Inc.
Classification: Pathogenic for Glutaric acidemia type 1. Last evaluated: 2025-11-10. Review status: criteria provided, single submitter. Criteria: Natera Variant Classification Schema (03/2026). Collection method: clinical testing. Allele origin: germline.
Comment: The c.1262C>T variant in GCDH is a missense variant predicted to cause substitution of alanine to valine at amino acid 421. This variant is rare in the general population with a frequency below the threshold expected for the associated phenotype(s). This variant has been observed in one or more individuals affected with the associated recessive disease, as either homozygous or compound heterozygous with a second variant (PMID: 8900227, 15505393, 28062662). Functional studies show that this variant may disrupt protein function (PMID: 15505393). A different variant at the same position has been determined to be Pathogenic or Likely Pathogenic. Computational prediction algorithms indicate this variant is likely to affect gene or protein function. Given the available evidence, this variant is classified as Pathogenic.

Labcorp Genetics (formerly Invitae), Labcorp
Classification: Pathogenic for Glutaric aciduria, type 1. Last evaluated: 2025-09-21. Review status: criteria provided, single submitter. Criteria: Invitae Variant Classification Sherloc (09022015). Collection method: clinical testing. Allele origin: germline.
Comment: This sequence change replaces alanine, which is neutral and non-polar, with valine, which is neutral and non-polar, at codon 421 of the GCDH protein (p.Ala421Val). This variant is present in population databases (rs121434367, gnomAD 0.03%). This missense change has been observed in individual(s) with glutaric acidemia (PMID: 8900227, 18926513, 28438223). It is commonly reported in individuals of Amish ancestry (PMID: 8900227, 18926513, 28438223). ClinVar contains an entry for this variant (Variation ID: 2082). Invitae Evidence Modeling of protein sequence and biophysical properties (such as structural, functional, and spatial information, amino acid conservation, physicochemical variation, residue mobility, and thermodynamic stability) indicates that this missense variant is expected to disrupt GCDH protein function with a positive predictive value of 80%. Experimental studies have shown that this missense change affects GCDH function (PMID: 8900227). For these reasons, this variant has been classified as Pathogenic.

Dasa
Classification: Pathogenic. Last evaluated: 2025-05-12. Review status: criteria provided, single submitter. Criteria: DASA Assertion Criteria. Collection method: clinical testing. Allele origin: germline.
Comment: NM_000159.4(GCDH):c.1262C>T (p.Ala421Val) is a missense variant that results in the substitution of alanine with valine. The affected residue or protein region has prior evidence supporting clinical relevance. This variant has been recurrently observed in affected individuals with related phenotype in a genotype context consistent with recessive disease (PMID: 8900227; PMID: 17478444; PMID: 33204356; PMID: 32240488; PMID: 28794906). Functional evidence supports a deleterious effect on the gene or gene product (PMID: 8900227; PMID: 17478444; PMID: 33204356; PMID: 32240488; PMID: 28794906). Multiple computational predictions support a deleterious effect on the gene or gene product. The variant is present at low frequency in population datasets. Based on the available data, this variant is classified as pathogenic.

Blueprint Genetics
Classification: Pathogenic for GCDH-related disorders. Last evaluated: 2024-11-05. Review status: criteria provided, single submitter. Criteria: ACMG Guidelines, 2015. Collection method: clinical testing. Allele origin: germline. Affected: yes. Observed: 5 variant alleles.

Revvity Omics, Revvity
Classification: Pathogenic for Glutaric aciduria, type 1. Last evaluated: 2024-09-05. Review status: criteria provided, single submitter. Criteria: ACMG Guidelines, 2015. Collection method: clinical testing. Allele origin: germline.

Mayo Clinic Laboratories, Mayo Clinic
Classification: Pathogenic. Last evaluated: 2024-09-04. Review status: criteria provided, single submitter. Criteria: ACMG Guidelines, 2015. Collection method: clinical testing. Allele origin: germline. Observed: 1 variant allele.
Comment: PP3, PP4, PM2, PM3_strong, PS4

Fulgent Genetics
Classification: Pathogenic for Glutaric aciduria, type 1. Last evaluated: 2024-05-08. Review status: criteria provided, single submitter. Criteria: ACMG Guidelines, 2015. Collection method: clinical testing. Allele origin: germline.

Baylor Genetics
Classification: Pathogenic for Glutaric aciduria, type 1. Last evaluated: 2024-03-25. Review status: criteria provided, single submitter. Criteria: ACMG Guidelines, 2015. Collection method: clinical testing. Allele origin: unknown.

GeneDx
Classification: Pathogenic. Last evaluated: 2023-07-12. Review status: criteria provided, single submitter. Criteria: GeneDx Variant Classification Process June 2021. Collection method: clinical testing. Allele origin: germline. Affected: yes.
Comment: Published functional studies found this variant is associated with significantly reduced enzyme activity compared to wild-type (Biery et al., 1996); Reported as a common pathogenic variant among individuals of the Old Order Amish population of Lancaster, Pennsylvania (Biery et al., 1996); In silico analysis supports that this missense variant has a deleterious effect on protein structure/function; This variant is associated with the following publications: (PMID: 22728054, 30838298, 8900227, 28438223, 31028937, 31589614, 32777384, 32240488)

Myriad Genetics, Inc.
Classification: Pathogenic for Glutaric aciduria, type 1. Last evaluated: 2021-11-08. Review status: criteria provided, single submitter. Criteria: Myriad Women's Health Autosomal Recessive and X-Linked Classification Criteria (2021). Collection method: clinical testing. Allele origin: unknown.
Comment: NM_000159.2(GCDH):c.1262C>T(A421V) is a missense variant classified as pathogenic in the context of glutaric acidemia, GCDH-related. A421V has been observed in cases with relevant disease (PMID: 15505393, 8900227). Functional assessments of this variant are available in the literature (PMID: 8900227). A421V has been observed in population frequency databases (gnomAD: NFE 0.02%). In summary, NM_000159.2(GCDH):c.1262C>T(A421V) is a missense variant that has been observed more frequently in cases with the relevant disease than in healthy populations. Please note: this variant was assessed in the context of healthy population screening.

CeGaT Center for Human Genetics Tuebingen
Classification: Pathogenic. Last evaluated: 2020-08-01. Review status: criteria provided, single submitter. Criteria: CeGaT Center For Human Genetics Tuebingen Variant Classification Criteria Version 2. Collection method: clinical testing. Allele origin: germline. Affected: yes. Observed: 1 variant allele.

Women's Health and Genetics/Laboratory Corporation of America, LabCorp
Classification: Pathogenic for Glutaric aciduria, type 1. Last evaluated: 2017-05-08. Review status: criteria provided, single submitter. Criteria: LabCorp Variant Classification Summary - May 2015. Collection method: clinical testing. Allele origin: germline.
Comment: Variant summary: The GCDH c.1262C>T (p.Ala421Val) variant located in the Acyl-CoA dehydrogenase/oxidase C-terminal domain (via InterPro) involves the alteration of a conserved nucleotide and 4/4 in silico tools (SNPsandGO not captured due to low reliability index) predict a damaging outcome for this variant . This variant was found in 23/121322 control chromosomes at a frequency of 0.0001896, which does not exceed the estimated maximal expected allele frequency of a pathogenic GCDH variant (0.0035355). Multiple publications cite the variant in affected GA-1 compound heterozygote and homozygote individuals. In addition, multiple clinical diagnostic laboratories/reputable databases classified this variant as pathogenic. Taken together, this variant is classified as pathogenic.

NM_000159.4(GCDH):c.1262C>T (p.Ala421Val)

Genes: GCDH (glutaryl-CoA dehydrogenase; plus strand), SYCE2 (synaptonemal complex central element protein 2; minus strand), LOC126862860 (BRD4-independent group 4 enhancer GRCh37_chr19:13010146-13011345; plus strand). Cytogenetic location: 19p13.13.
Variant type: single nucleotide variant.
Coding change: c.1262C>T on transcript NM_000159.4 (MANE Select); coding-DNA position 1262, C replaced by T.
Protein change: p.Ala421Val; replaces alanine 421 with valine.
Molecular consequence: missense variant. On other transcripts: non-coding transcript variant (2), intron variant (2).
Genome position (GRCh38, 1-based): chr19:12,899,486, C>T. VCF-style: chr19-12899486-C-T. GRCh37 (hg19) VCF-style: chr19-13010300-C-T.
Other names: c.1244-214C>T (NM_013976.5); c.613-101G>A (NM_001105578.2); short protein forms A421V.
Identifiers: ClinVar variation 2082 (VCV000002082.72), dbSNP rs121434367, ClinGen allele CA252095.
Genomic context (GRCh38, chr19:12,899,486, plus strand): 5'-GCTATGAAAACTCCAAACCGACTCTGTATTAATCTTGTCCAGGTACACATGACATTCACG[C>T]CCTGATCCTTGGGAGAGCTATCACGGGAATCCAGGCGTTCACGGCCAGCAAGTGAGCCGC-3'
Protein context (NP_000150.1, residues 411-431): NTYEGTHDIH[Ala421Val]LILGRAITGI